The following is an entry in ClinVar:

NM_005006.7(NDUFS1):c.975C>T (p.Arg325=)

Gene: NDUFS1 (NADH:ubiquinone oxidoreductase core subunit S1; minus strand). Cytogenetic location: 2q33.3.
Variant type: single nucleotide variant.
Coding change: c.975C>T on transcript NM_005006.7 (MANE Select); coding-DNA position 975, C replaced by T.
Protein change: p.Arg325=; no amino-acid change (arginine 325 retained).
Molecular consequence: synonymous variant.
Genome position (GRCh38, 1-based): chr2:206,144,030, G>A on the plus strand (C>T on the coding strand, the complement: NDUFS1 is on the minus strand). VCF-style: chr2-206144030-G-A. GRCh37 (hg19) VCF-style: chr2-207008754-G-A.
Other names: p.R325R:CGC>CGT; p.Arg325=; c.867C>T, p.Arg289= (NM_001199981.2); c.642C>T, p.Arg214= (NM_001199982.2); c.804C>T, p.Arg268= (NM_001199983.2); c.1017C>T, p.Arg339= (NM_001199984.2).
Identifiers: ClinVar variation 138476 (VCV000138476.14), dbSNP rs2230890, ClinGen allele CA292484.

ClinVar aggregate classification (germline): Benign/Likely benign. Review status: criteria provided, multiple submitters, no conflicts (2 of 4 stars). 6 submissions from 5 submitters: Benign (3); Likely benign (3). Last evaluated 2026-01-28.

Conditions:
Mitochondrial complex I deficiency, nuclear type 1. Also called: NADH-COENZYME Q REDUCTASE DEFICIENCY; MITOCHONDRIAL NADH DEHYDROGENASE COMPONENT OF COMPLEX I, DEFICIENCY OF. Identifiers: MedGen C6022305, MONDO:0100224, OMIM 252010.
Leigh syndrome (NULS). Also called: Leigh Disease; Leigh Syndrome (mtDNA deletion); Subacute necrotizing encephalopathy; Necrotizing encephalopathy infantile subacute of Leigh; Leigh's necrotizing encephalopathy; Leigh's disease. Identifiers: Orphanet 506, MedGen C2931891, MONDO:0009723, OMIM 256000.

Allele frequency attached by ClinVar (database versions not stated): gnomAD exomes 0.00240 and 0.00684; ExAC 0.00885; gnomAD 0.02651 and 0.02835; TOPMed 0.02956; 1000 Genomes Project 0.03075; ESP Exome Variant Server 0.03268; 1000 Genomes Project 30x 0.03342.

Submissions (6):

Labcorp Genetics (formerly Invitae), Labcorp
Classification: Benign. Last evaluated: 2026-01-28. Review status: criteria provided, single submitter. Criteria: Invitae Variant Classification Sherloc (09022015). Collection method: clinical testing. Allele origin: germline.

Mayo Clinic Laboratories, Mayo Clinic
Classification: Benign. Last evaluated: 2022-07-08. Review status: criteria provided, single submitter. Criteria: ACMG Guidelines, 2015. Collection method: clinical testing. Allele origin: germline. Observed: 27 variant alleles.

Illumina Laboratory Services, Illumina
Classification: Likely benign for Mitochondrial complex I deficiency, nuclear type 1. Last evaluated: 2017-04-27. Review status: criteria provided, single submitter. Criteria: ICSL Variant Classification Criteria 13 December 2019. Collection method: clinical testing. Allele origin: germline.
Comment: This variant was observed as part of a predisposition screen in an ostensibly healthy population. A literature search was performed for the gene, cDNA change, and amino acid change (where applicable). No publications were found based on this search. Allele frequency data from public databases allowed determination this variant is unlikely to cause disease. Therefore, this variant is classified as likely benign.

Illumina Laboratory Services, Illumina
Classification: Likely benign for Leigh syndrome. Last evaluated: 2017-04-27. Review status: criteria provided, single submitter. Criteria: ICSL Variant Classification Criteria 13 December 2019. Collection method: clinical testing. Allele origin: germline.
Comment: the same text as in the submission from Illumina Laboratory Services, Illumina above.

GeneDx
Classification: Benign. Last evaluated: 2012-04-04. Review status: criteria provided, single submitter. Criteria: GeneDx Variant Classification (06012015). Collection method: clinical testing. Allele origin: germline. Affected: yes.
Comment: This variant is considered likely benign or benign based on one or more of the following criteria: it is a conservative change, it occurs at a poorly conserved position in the protein, it is predicted to be benign by multiple in silico algorithms, and/or has population frequency not consistent with disease.

Breakthrough Genomics
Classification: Likely benign. Review status: criteria provided, single submitter. Criteria: ACMG Guidelines, 2015. Collection method: not provided. Allele origin: germline. Inheritance: Autosomal recessive inheritance. Affected: yes.